The following is an entry in ClinVar:

NM_001003787.4(STRADA):c.1053dup (p.Phe352fs)

Gene: STRADA (STE20 related adaptor alpha; minus strand). Cytogenetic location: 17q23.3.
Variant type: Duplication.
Coding change: c.1053dup on transcript NM_001003787.4 (MANE Select); coding-DNA position 1053, one base duplicated (C; older notation c.1053dupC).
Protein change: p.Phe352fs; shifts the reading frame from phenylalanine 352.
Molecular consequence: frameshift variant. On other transcripts: non-coding transcript variant (1), intron variant (6).
Genome position (GRCh38, 1-based): chr17:63,704,388, G duplicated on the plus strand (C on the coding strand, the reverse complement: STRADA is on the minus strand). VCF-style (leftmost placement, unchanged base first): chr17-63704387-A-AG. GRCh37 (hg19) VCF-style: chr17-61781747-A-AG.
Other names: c.942dup, p.Phe315fs (NM_001003786.3, NM_153335.6); c.879dup, p.Phe294fs (NM_001003788.3); c.1029dup, p.Phe344fs (NM_001363786.1); c.966dup, p.Phe323fs (NM_001363787.1); c.898+44dup (NM_001363789.1); c.835+44dup (NM_001363790.1, NM_001363791.1); c.922+44dup (NM_001165969.2); c.877+44dup (NM_001165970.2); and 1 more; short protein forms F323fs, F294fs, F352fs, F315fs, F344fs.
Identifiers: ClinVar variation 1493729 (VCV001493729.6), dbSNP rs2143721616, ClinGen allele CA2573154457.
Genomic context (GRCh38, chr17:63,704,387, plus strand): 5'-GCCAGCAGGGATACCTGGCATCCGGGTTGCGCTGAAGGCACTGCTCCACAAAGTGGTGGA[A>AG]GTGGGGGGAGAAGGTTCGGTGGTAGGGGTGGGAGGGCGAGTCACCGTTGGAGGGCCGGGG-3'

ClinVar aggregate classification (germline): Uncertain significance (1 of 4 stars; one submission).

Conditions:
Polyhydramnios, megalencephaly, and symptomatic epilepsy (PMSE). Also called: PMSE SYNDROME. Identifiers: Orphanet 500533, MedGen C1970203, MONDO:0012611, OMIM 611087.

Submission:

Labcorp Genetics (formerly Invitae), Labcorp
Classification: Uncertain significance for Polyhydramnios, megalencephaly, and symptomatic epilepsy. Last evaluated: 2021-04-02. Review status: criteria provided, single submitter. Criteria: Invitae Variant Classification Sherloc (09022015). Collection method: clinical testing. Allele origin: germline.
Comment: In summary, the available evidence is currently insufficient to determine the role of this variant in disease. Therefore, it has been classified as a Variant of Uncertain Significance. This variant has not been reported in the literature in individuals with STRADA-related conditions. This variant is not present in population databases (ExAC no frequency). This sequence change creates a premature translational stop signal (p.Phe352Leufs*53) in the STRADA gene. While this is not anticipated to result in nonsense mediated decay, it is expected to disrupt the last 80 amino acid(s) of the STRADA protein.